The following is an entry in ClinVar:

ClinVar aggregate classification (germline): Uncertain significance. Review status: criteria provided, multiple submitters, no conflicts (2 of 4 stars). 2 submissions from 2 submitters: Uncertain significance (2). Last evaluated 2025-12-02.

Conditions:
Inborn genetic diseases. Identifiers: MedGen C0950123, MeSH D030342.

Submissions (2):

Ambry Genetics
Classification: Uncertain significance for Inborn genetic diseases. Last evaluated: 2025-12-02. Review status: criteria provided, single submitter. Criteria: Ambry Variant Classification Scheme 2023. Collection method: clinical testing. Allele origin: germline.

GeneDx
Classification: Uncertain significance. Last evaluated: 2025-05-05. Review status: criteria provided, single submitter. Criteria: GeneDx Variant Classification Process June 2021. Collection method: clinical testing. Allele origin: germline. Affected: yes.
Comment: Not observed at significant frequency in large population cohorts (gnomAD); In silico analysis suggests that this missense variant does not alter protein structure/function; Has not been previously published as pathogenic or benign to our knowledge

NM_005909.5(MAP1B):c.5512T>A (p.Phe1838Ile)

Gene: MAP1B (microtubule associated protein 1B; plus strand). Cytogenetic location: 5q13.2.
Variant type: single nucleotide variant.
Coding change: c.5512T>A on transcript NM_005909.5 (MANE Select); coding-DNA position 5512, T replaced by A.
Protein change: p.Phe1838Ile; replaces phenylalanine 1838 with isoleucine.
Molecular consequence: missense variant.
Genome position (GRCh38, 1-based): chr5:72,198,867, T>A. VCF-style: chr5-72198867-T-A. GRCh37 (hg19) VCF-style: chr5-71494694-T-A.
Other names: c.5134T>A, p.Phe1712Ile (NM_001324255.2); short protein forms F1712I, F1838I.
Identifiers: ClinVar variation 4528112 (VCV004528112.2).